The following is an entry in ClinVar:

NM_024757.5(EHMT1):c.3684C>T (p.Ser1228=)

Gene: EHMT1 (euchromatic histone lysine methyltransferase 1; plus strand). Cytogenetic location: 9q34.3.
Variant type: single nucleotide variant.
Coding change: c.3684C>T on transcript NM_024757.5 (MANE Select); coding-DNA position 3684, C replaced by T.
Protein change: p.Ser1228=; no amino-acid change (serine 1228 retained).
Molecular consequence: synonymous variant.
Genome position (GRCh38, 1-based): chr9:137,834,492, C>T. VCF-style: chr9-137834492-C-T. GRCh37 (hg19) VCF-style: chr9-140728944-C-T.
Other names: c.3663C>T, p.Ser1221= (NM_001354263.2).
Identifiers: ClinVar variation 741856 (VCV000741856.35), dbSNP rs777132995, ClinGen allele CA5375414.

ClinVar aggregate classification (germline): Likely benign. Review status: criteria provided, multiple submitters, no conflicts (2 of 4 stars). 2 submissions from 2 submitters: Likely benign (2). Last evaluated 2024-03-27.

Conditions:
Kleefstra syndrome 1 (KLEFS1). Identifiers: Orphanet 261494, MedGen C0795833, MONDO:0027407, OMIM 610253.

Allele frequency attached by ClinVar (database versions not stated): ExAC 0.00002; TOPMed 0.00002; gnomAD 0.00003; gnomAD exomes 0.00003 and 0.00007.
gnomAD v4.1: 111 of 1,612,128 alleles (0.0069%); highest among the groups gnomAD compares: Non-Finnish European, 0.0087%; no homozygotes.

Submissions (2):

Labcorp Genetics (formerly Invitae), Labcorp
Classification: Likely benign for Kleefstra syndrome 1. Last evaluated: 2024-03-27. Review status: criteria provided, single submitter. Criteria: Invitae Variant Classification Sherloc (09022015). Collection method: clinical testing. Allele origin: germline.

CeGaT Center for Human Genetics Tuebingen
Classification: Likely benign. Last evaluated: 2023-02-01. Review status: criteria provided, single submitter. Criteria: CeGaT Center For Human Genetics Tuebingen Variant Classification Criteria Version 2. Collection method: clinical testing. Allele origin: germline. Affected: yes. Observed: 1 variant allele.
Comment: EHMT1: BP4, BP7